The following is an entry in ClinVar:

NM_201548.5(CERKL):c.738A>T (p.Arg246Ser)

Gene: CERKL (ceramide kinase like; minus strand). Cytogenetic location: 2q31.3.
Variant type: single nucleotide variant.
Coding change: c.738A>T on transcript NM_201548.5 (MANE Select); coding-DNA position 738, A replaced by T.
Protein change: p.Arg246Ser; replaces arginine 246 with serine.
Molecular consequence: missense variant. On other transcripts: non-coding transcript variant (2), intron variant (2).
Genome position (GRCh38, 1-based): chr2:181,558,648, T>A on the plus strand (A>T on the coding strand, the complement: CERKL is on the minus strand). VCF-style: chr2-181558648-T-A. GRCh37 (hg19) VCF-style: chr2-182423375-T-A.
Other names: c.816A>T, p.Arg272Ser (NM_001030311.3); c.684A>T, p.Arg228Ser (NM_001160277.2); c.482-8940A>T (NM_001030312.3); c.614-8940A>T (NM_001030313.3); short protein forms R246S, R272S, R228S.
Identifiers: ClinVar variation 1506522 (VCV001506522.3), dbSNP rs752573519, ClinGen allele CA2010671.

ClinVar aggregate classification (germline): Uncertain significance (1 of 4 stars; one submission).

Allele frequency attached by ClinVar (database versions not stated): gnomAD 0.00001; TOPMed 0.00002.
gnomAD v4.1: 9 of 1,612,944 alleles (0.00056%); highest among the groups gnomAD compares: Admixed American, 0.0033%; no homozygotes.

Submission:

Labcorp Genetics (formerly Invitae), Labcorp
Classification: Uncertain significance. Last evaluated: 2022-07-19. Review status: criteria provided, single submitter. Criteria: Invitae Variant Classification Sherloc (09022015). Collection method: clinical testing. Allele origin: germline.
Comment: This sequence change replaces arginine, which is basic and polar, with serine, which is neutral and polar, at codon 272 of the CERKL protein (p.Arg272Ser). The frequency data for this variant in the population databases is considered unreliable, as metrics indicate poor data quality at this position in the gnomAD database. This variant has not been reported in the literature in individuals affected with CERKL-related conditions. ClinVar contains an entry for this variant (Variation ID: 1506522). Algorithms developed to predict the effect of missense changes on protein structure and function output the following: SIFT: "Deleterious"; PolyPhen-2: "Possibly Damaging"; Align-GVGD: "Class C0". The serine amino acid residue is found in multiple mammalian species, which suggests that this missense change does not adversely affect protein function. In summary, the available evidence is currently insufficient to determine the role of this variant in disease. Therefore, it has been classified as a Variant of Uncertain Significance.